The following is an entry in ClinVar:

NM_002900.3(RBP3):c.3577C>T (p.Pro1193Ser)

Gene: RBP3 (retinol binding protein 3; plus strand). Cytogenetic location: 10q11.22.
Variant type: single nucleotide variant.
Coding change: c.3577C>T on transcript NM_002900.3 (MANE Select); coding-DNA position 3577, C replaced by T.
Protein change: p.Pro1193Ser; replaces proline 1193 with serine.
Molecular consequence: missense variant.
Genome position (GRCh38, 1-based): chr10:47,357,290, C>T. VCF-style: chr10-47357290-C-T. GRCh37 (hg19) VCF-style: chr10-48382072-G-A.
Other names: short protein forms P1193S.
Identifiers: ClinVar variation 2044406 (VCV002044406.4), dbSNP rs782759936, ClinGen allele CA5487011.

ClinVar aggregate classification (germline): Uncertain significance (1 of 4 stars; one submission).

Allele frequency attached by ClinVar (database versions not stated): gnomAD 0.00001; TOPMed 0.00001.
gnomAD v4.1: 6 of 1,614,084 alleles (0.00037%); highest among the groups gnomAD compares: East Asian, 0.0022%; no homozygotes.

Submission:

Labcorp Genetics (formerly Invitae), Labcorp
Classification: Uncertain significance. Last evaluated: 2021-12-17. Review status: criteria provided, single submitter. Criteria: Invitae Variant Classification Sherloc (09022015). Collection method: clinical testing. Allele origin: germline.
Comment: Algorithms developed to predict the effect of missense changes on protein structure and function (SIFT, PolyPhen-2, Align-GVGD) all suggest that this variant is likely to be disruptive. In summary, the available evidence is currently insufficient to determine the role of this variant in disease. Therefore, it has been classified as a Variant of Uncertain Significance. This variant has not been reported in the literature in individuals affected with RBP3-related conditions. This variant is present in population databases (rs782759936, gnomAD 0.006%). This sequence change replaces proline, which is neutral and non-polar, with serine, which is neutral and polar, at codon 1193 of the RBP3 protein (p.Pro1193Ser).